The following is an entry in ClinVar:

ClinVar aggregate classification (germline): Uncertain significance (1 of 4 stars; one submission).

Submission:

Labcorp Genetics (formerly Invitae), Labcorp
Classification: Uncertain significance. Last evaluated: 2024-12-18. Review status: criteria provided, single submitter. Criteria: Invitae Variant Classification Sherloc (09022015). Collection method: clinical testing. Allele origin: germline.
Comment: This sequence change replaces serine, which is neutral and polar, with glycine, which is neutral and non-polar, at codon 495 of the KRT6A protein (p.Ser495Gly). This variant is present in population databases (rs761366760, gnomAD 0.01%). This variant has not been reported in the literature in individuals affected with KRT6A-related conditions. Invitae Evidence Modeling of protein sequence and biophysical properties (such as structural, functional, and spatial information, amino acid conservation, physicochemical variation, residue mobility, and thermodynamic stability) indicates that this missense variant is not expected to disrupt KRT6A protein function with a negative predictive value of 95%. In summary, the available evidence is currently insufficient to determine the role of this variant in disease. Therefore, it has been classified as a Variant of Uncertain Significance.

NM_005554.4(KRT6A):c.1483A>G (p.Ser495Gly)

Gene: KRT6A (keratin 6A; minus strand). Cytogenetic location: 12q13.13.
Variant type: single nucleotide variant.
Coding change: c.1483A>G on transcript NM_005554.4 (MANE Select); coding-DNA position 1483, A replaced by G.
Protein change: p.Ser495Gly; replaces serine 495 with glycine.
Molecular consequence: missense variant.
Genome position (GRCh38, 1-based): chr12:52,487,932, T>C on the plus strand (A>G on the coding strand, the complement: KRT6A is on the minus strand). VCF-style: chr12-52487932-T-C. GRCh37 (hg19) VCF-style: chr12-52881716-T-C.
Other names: short protein forms S495G.
Identifiers: ClinVar variation 3622930 (VCV003622930.2).
Genomic context (GRCh38, chr12:52,487,932, plus strand): 5'-AGCTGCTTCCTCCACCCAGGCCTAAGCCACTGCCGACACCACTGGCACCGCCATAGCCAC[T>C]GGAGACGGTGGACTGCACCACAGCTGTGATGGGGAGGGGACAAGGACACAAGAAGCCATG-3'
Protein context (NP_005545.1, residues 485-505): NISVVQSTVS[Ser495Gly]GYGGASGVGS